The following is an entry in ClinVar:

NM_001379500.1(COL18A1):c.3884G>A (p.Arg1295Gln)

Genes: COL18A1 (collagen type XVIII alpha 1 chain; plus strand), SLC19A1 (solute carrier family 19 member 1; minus strand). Cytogenetic location: 21q22.3.
Variant type: single nucleotide variant.
Coding change: c.3884G>A on transcript NM_001379500.1 (MANE Select); coding-DNA position 3884, G replaced by A.
Protein change: p.Arg1295Gln; replaces arginine 1295 with glutamine.
Molecular consequence: missense variant.
Genome position (GRCh38, 1-based): chr21:45,512,262, G>A. VCF-style: chr21-45512262-G-A. GRCh37 (hg19) VCF-style: chr21-46932176-G-A.
Other names: NM_130445.2:c.3875G>A; c.4415G>A, p.Arg1472Gln (NM_030582.4); c.5120G>A, p.Arg1707Gln (NM_130444.3); short protein forms R1472Q, R1295Q, R1707Q.
Identifiers: ClinVar variation 1490843 (VCV001490843.5), dbSNP rs768317146, ClinGen allele CA10068122.

ClinVar aggregate classification (germline): Uncertain significance. Review status: criteria provided, multiple submitters, no conflicts (2 of 4 stars). 3 submissions from 3 submitters: Uncertain significance (3). Last evaluated 2026-03-13.

Allele frequency attached by ClinVar (database versions not stated): ExAC 0.00002; gnomAD exomes 0.00003 and 0.00006; TOPMed 0.00004; gnomAD 0.00005.
gnomAD v4.1: 95 of 1,611,862 alleles (0.0059%); highest among the groups gnomAD compares: South Asian, 0.013%; no homozygotes.

Submissions (3):

GeneDx
Classification: Uncertain significance. Last evaluated: 2026-03-13. Review status: criteria provided, single submitter. Criteria: GeneDx Variant Classification Process June 2021. Collection method: clinical testing. Allele origin: germline.
Comment: In silico analysis supports that this missense variant has a deleterious effect on protein structure/function; Has not been previously published as pathogenic or benign to our knowledge

Labcorp Genetics (formerly Invitae), Labcorp
Classification: Uncertain significance. Last evaluated: 2024-01-08. Review status: criteria provided, single submitter. Criteria: Invitae Variant Classification Sherloc (09022015). Collection method: clinical testing. Allele origin: germline.
Comment: This sequence change replaces arginine, which is basic and polar, with glutamine, which is neutral and polar, at codon 1292 of the COL18A1 protein (p.Arg1292Gln). This variant is present in population databases (rs768317146, gnomAD 0.01%). This variant has not been reported in the literature in individuals affected with COL18A1-related conditions. ClinVar contains an entry for this variant (Variation ID: 1490843). Experimental studies and prediction algorithms are not available or were not evaluated, and the functional significance of this variant is currently unknown. In summary, the available evidence is currently insufficient to determine the role of this variant in disease. Therefore, it has been classified as a Variant of Uncertain Significance.

Blueprint Genetics
Classification: Uncertain significance. Last evaluated: 2022-11-08. Review status: criteria provided, single submitter. Criteria: ACMG Guidelines, 2015. Collection method: clinical testing. Allele origin: germline.